The following is an entry in ClinVar:

NM_001243177.4(ALDOA):c.668A>G (p.Asn223Ser)

Genes: ALDOA (aldolase, fructose-bisphosphate A; plus strand), LOC112694756 (uncharaterized LOC112694756; plus strand). Cytogenetic location: 16p11.2.
Variant type: single nucleotide variant.
Coding change: c.668A>G on transcript NM_001243177.4 (MANE Select); coding-DNA position 668, A replaced by G.
Protein change: p.Asn223Ser; replaces asparagine 223 with serine.
Molecular consequence: missense variant. On other transcripts: 3 prime UTR variant (3).
Genome position (GRCh38, 1-based): chr16:30,068,944, A>G. VCF-style: chr16-30068944-A-G. GRCh37 (hg19) VCF-style: chr16-30080265-A-G.
Other names: NM_000034.3:c.506A>G; c.*1015A>G (NM_001365304.2, NM_001365305.2, NM_001365307.2); c.506A>G, p.Asn169Ser (NM_001127617.2, NM_184041.5, NM_184043.2); short protein forms N169S, N223S.
Identifiers: ClinVar variation 1577398 (VCV001577398.13), dbSNP rs142957871, ClinGen allele CA8001014.
Genomic context (GRCh38, chr16:30,068,944, plus strand): 5'-GTTGTGTGCTGAAGATTGGGGAACACACCCCCTCAGCCCTCGCCATCATGGAAAATGCCA[A>G]TGTTCTGGCCCGTTATGCCAGTATCTGCCAGCAGGTGGGCCTGCAGGTCCTCAATAGGCA-3'
Protein context (NP_001230106.1, residues 213-233): PSALAIMENA[Asn223Ser]VLARYASICQ

ClinVar aggregate classification (germline): Conflicting classifications of pathogenicity. Review status: criteria provided, conflicting classifications (1 of 4 stars). 3 submissions from 3 submitters: Uncertain significance (1); Likely benign (1). 1 of the submissions does not count toward it. Last evaluated 2026-01-18.

Conditions:
HNSHA due to aldolase A deficiency (GSD12). Also called: GLYCOGEN STORAGE DISEASE XII; GSD XII; RED CELL ALDOLASE DEFICIENCY; Glycogen storage disease due to aldolase A deficiency. Identifiers: Orphanet 57, MedGen C0272066, MONDO:0012747, OMIM 611881.
ALDOA-related disorder. Also called: ALDOA-related condition.

Allele frequency attached by ClinVar (database versions not stated): gnomAD exomes 0.00008 and 0.00019; ExAC 0.00012; TOPMed 0.00016; gnomAD 0.00018 and 0.00019.
gnomAD v4.1: 166 of 1,614,056 alleles (0.01%); highest among the groups gnomAD compares: African/African-American, 0.011%; no homozygotes.

Submissions (3):

Labcorp Genetics (formerly Invitae), Labcorp
Classification: Likely benign for HNSHA due to aldolase A deficiency. Last evaluated: 2026-01-18. Review status: criteria provided, single submitter. Criteria: Invitae Variant Classification Sherloc (09022015). Collection method: clinical testing. Allele origin: germline.

Revvity Omics, Revvity
Classification: Uncertain significance for HNSHA due to aldolase A deficiency. Last evaluated: 2024-07-30. Review status: criteria provided, single submitter. Criteria: ACMG Guidelines, 2015. Collection method: clinical testing. Allele origin: germline.

PreventionGenetics, part of Exact Sciences
Classification: Likely benign for ALDOA-related condition. Last evaluated: 2020-02-12. Review status: no assertion criteria provided. Collection method: clinical testing. Allele origin: germline. Not counted in ClinVar's aggregate classification.
Comment: This variant is classified as likely benign based on ACMG/AMP sequence variant interpretation guidelines (Richards et al. 2015 PMID: 25741868, with internal and published modifications).